The following is an entry in ClinVar:

ClinVar aggregate classification (germline): Uncertain significance (1 of 4 stars; one submission).

Conditions:
Beckwith-Wiedemann syndrome (BWS). Also called: EMG SYNDROME; Exomphalos macroglossia gigantism syndrome. Identifiers: Orphanet 116, MedGen C0004903, MONDO:0007534, OMIM 130650.

Submission:

Labcorp Genetics (formerly Invitae), Labcorp
Classification: Uncertain significance for Beckwith-Wiedemann syndrome. Last evaluated: 2022-03-11. Review status: criteria provided, single submitter. Criteria: Invitae Variant Classification Sherloc (09022015). Collection method: clinical testing. Allele origin: germline.
Comment: This sequence change replaces proline, which is neutral and non-polar, with serine, which is neutral and polar, at codon 121 of the CDKN1C protein (p.Pro121Ser). This variant is not present in population databases (gnomAD no frequency). This variant has not been reported in the literature in individuals affected with CDKN1C-related conditions. Algorithms developed to predict the effect of missense changes on protein structure and function are either unavailable or do not agree on the potential impact of this missense change (SIFT: "Tolerated"; PolyPhen-2: "Possibly Damaging"; Align-GVGD: "Class C0"). In summary, the available evidence is currently insufficient to determine the role of this variant in disease. Therefore, it has been classified as a Variant of Uncertain Significance.

NM_001122630.2(CDKN1C):c.328C>T (p.Pro110Ser)

Gene: CDKN1C (cyclin dependent kinase inhibitor 1C; minus strand). Cytogenetic location: 11p15.4.
Variant type: single nucleotide variant.
Coding change: c.328C>T on transcript NM_001122630.2 (MANE Select); coding-DNA position 328, C replaced by T.
Protein change: p.Pro110Ser; replaces proline 110 with serine.
Molecular consequence: missense variant. On other transcripts: intron variant (1).
Genome position (GRCh38, 1-based): chr11:2,885,129, G>A on the plus strand (C>T on the coding strand, the complement: CDKN1C is on the minus strand). VCF-style: chr11-2885129-G-A. GRCh37 (hg19) VCF-style: chr11-2906359-G-A.
Other names: c.361C>T, p.Pro121Ser (NM_000076.2, NM_001362474.2); c.328C>T, p.Pro110Ser (NM_001122631.2); c.255+73C>T (NM_001362475.2); short protein forms P110S, P121S.
Identifiers: ClinVar variation 2108674 (VCV002108674.4), dbSNP rs2494388735, ClinGen allele CA379146857.